The following is an entry in ClinVar:

NM_005271.5(GLUD1):c.52G>T (p.Ala18Ser)

Genes: GLUD1 (glutamate dehydrogenase 1; minus strand), SHLD2 (shieldin complex subunit 2; plus strand), LOC130004255 (ATAC-STARR-seq lymphoblastoid silent region 2577; plus strand). Cytogenetic location: 10q23.2.
Variant type: single nucleotide variant.
Coding change: c.52G>T on transcript NM_005271.5 (MANE Select); coding-DNA position 52, G replaced by T.
Protein change: p.Ala18Ser; replaces alanine 18 with serine.
Molecular consequence: missense variant. On other transcripts: 5 prime UTR variant (3).
Genome position (GRCh38, 1-based): chr10:87,094,718, C>A on the plus strand (G>T on the coding strand, the complement: GLUD1 is on the minus strand). VCF-style: chr10-87094718-C-A. GRCh37 (hg19) VCF-style: chr10-88854475-C-A.
Other names: c.-677G>T (NM_001318904.2); c.-803G>T (NM_001318905.2); c.-510G>T (NM_001318906.2); short protein forms A18S.
Identifiers: ClinVar variation 5017507 (VCV005017507.1).
Genomic context (GRCh38, chr10:87,094,718, plus strand): 5'-CGGGCTGTCCCCGGGCCCAGCCCAGCAACGCGGCCGAGTCGGCGGACGCCGAGCCCAGGG[C>A]AGCGGGCCCGGCCCGGGACAGCAACAGCGCTTCGCCCAGGTAGCGGTACATGGCCACAAG-3'
Protein context (NP_005262.1, residues 8-28): ALLLSRAGPA[Ala18Ser]LGSASADSAA

ClinVar aggregate classification (germline): Uncertain significance (1 of 4 stars; one submission).

gnomAD v4.1: 1 of 1,509,992 alleles (0.000066%); highest among the groups gnomAD compares: Non-Finnish European, 0.000089%; no homozygotes.

Submission:

GeneDx
Classification: Uncertain significance. Last evaluated: 2026-03-26. Review status: criteria provided, single submitter. Criteria: GeneDx Variant Classification Process June 2021. Collection method: clinical testing. Allele origin: germline.
Comment: Not observed at significant frequency in large population cohorts (gnomAD); In silico analysis suggests that this missense variant does not alter protein structure/function; Has not been previously published as pathogenic or benign to our knowledge